The following is an entry in ClinVar:

NM_001384474.1(LOXHD1):c.2080G>T (p.Asp694Tyr)

Gene: LOXHD1 (lipoxygenase homology PLAT domains 1; minus strand). Cytogenetic location: 18q21.1.
Variant type: single nucleotide variant.
Coding change: c.2080G>T on transcript NM_001384474.1 (MANE Select); coding-DNA position 2080, G replaced by T.
Protein change: p.Asp694Tyr; replaces aspartic acid 694 with tyrosine.
Molecular consequence: missense variant.
Genome position (GRCh38, 1-based): chr18:46,569,606, C>A on the plus strand (G>T on the coding strand, the complement: LOXHD1 is on the minus strand). VCF-style: chr18-46569606-C-A. GRCh37 (hg19) VCF-style: chr18-44149569-C-A.
Other names: c.2080G>T, p.Asp694Tyr (NM_144612.7); short protein forms D694Y.
Identifiers: ClinVar variation 47924 (VCV000047924.26), dbSNP rs35727744, ClinGen allele CA142196.

ClinVar aggregate classification (germline): Conflicting classifications of pathogenicity. Review status: criteria provided, conflicting classifications (1 of 4 stars). 7 submissions from 7 submitters: Uncertain significance (1); Benign (2); Likely benign (2). 2 of the submissions do not count toward it. Last evaluated 2026-01-31.

Conditions:
Autosomal recessive nonsyndromic hearing loss 77. Identifiers: Orphanet 90636, MedGen C2746083, MONDO:0013119, OMIM 613079.

Allele frequency attached by ClinVar (database versions not stated): gnomAD exomes 0.00100 and 0.00211; ExAC 0.00394; 1000 Genomes Project 30x 0.01031; 1000 Genomes Project 0.01038; gnomAD 0.01099 and 0.01194; ESP Exome Variant Server 0.01117; TOPMed 0.01217.
gnomAD v4.1: 3,102 of 1,551,536 alleles (0.2%); highest among the groups gnomAD compares: African/African-American, 3.9%; 61 homozygotes.

Submissions (8):

Labcorp Genetics (formerly Invitae), Labcorp
Classification: Benign. Last evaluated: 2026-01-31. Review status: criteria provided, single submitter. Criteria: Invitae Variant Classification Sherloc (09022015). Collection method: clinical testing. Allele origin: germline.

GeneDx
Classification: Likely benign. Last evaluated: 2018-06-24. Review status: criteria provided, single submitter. Criteria: GeneDx Variant Classification Process June 2021. Collection method: clinical testing. Allele origin: germline. Affected: yes.

Athena Diagnostics
Classification: Likely benign. Last evaluated: 2018-05-25. Review status: criteria provided, single submitter. Criteria: Athena Diagnostics Criteria. Collection method: clinical testing. Allele origin: germline.

Illumina Laboratory Services, Illumina
Classification: Uncertain significance for Autosomal recessive nonsyndromic hearing loss 77. Last evaluated: 2018-01-13. Review status: criteria provided, single submitter. Criteria: ICSL Variant Classification Criteria 13 December 2019. Collection method: clinical testing. Allele origin: germline.

Laboratory for Molecular Medicine, Mass General Brigham Personalized Medicine
Classification: Benign. Last evaluated: 2012-05-07. Review status: criteria provided, single submitter. Criteria: LMM Criteria. Collection method: clinical testing. Allele origin: germline. Observed: 9 variant alleles.
Comment: Asp694Tyr in Exon 16 of LOXHD1: This variant is not expected to have clinical si gnificance because it has been identified in 3.1% (22/702) of African American c hromosomes from a broad population by the NHLBI Exome Sequencing Project (dbSNP rs35727744).

Natera, Inc.
Classification: Benign for Autosomal recessive deafness type 77. Last evaluated: 2019-12-10. Review status: no assertion criteria provided. Collection method: clinical testing. Allele origin: germline. Not counted in ClinVar's aggregate classification.

Counsyl
Classification: Likely benign for Autosomal recessive nonsyndromic hearing loss 77. Last evaluated: 2017-03-16. Review status: no assertion criteria provided. Collection method: clinical testing. Allele origin: unknown. Not counted in ClinVar's aggregate classification.

Dr. Peter K. Rogan Lab, Western University
No classification provided (evidence only). Condition: Malignant tumor of esophagus. Review status: no classification provided. Collection method: in vitro. Allele origin: not applicable. Functional consequence: retained intron. Not counted in ClinVar's aggregate classification.